The following is an entry in ClinVar:

NM_005461.5(MAFB):c.400C>T (p.His134Tyr)

Gene: MAFB (MAF bZIP transcription factor B; minus strand). Cytogenetic location: 20q12.
Variant type: single nucleotide variant.
Coding change: c.400C>T on transcript NM_005461.5 (MANE Select); coding-DNA position 400, C replaced by T.
Protein change: p.His134Tyr; replaces histidine 134 with tyrosine.
Molecular consequence: missense variant.
Genome position (GRCh38, 1-based): chr20:40,688,451, G>A on the plus strand (C>T on the coding strand, the complement: MAFB is on the minus strand). VCF-style: chr20-40688451-G-A. GRCh37 (hg19) VCF-style: chr20-39317091-G-A.
Other names: short protein forms H134Y.
Identifiers: ClinVar variation 2761892 (VCV002761892.3), dbSNP rs1986891768, ClinGen allele CA408941237.

ClinVar aggregate classification (germline): Uncertain significance (1 of 4 stars; one submission).

Submission:

Labcorp Genetics (formerly Invitae), Labcorp
Classification: Uncertain significance. Last evaluated: 2023-12-11. Review status: criteria provided, single submitter. Criteria: Invitae Variant Classification Sherloc (09022015). Collection method: clinical testing. Allele origin: germline.
Comment: This sequence change replaces histidine, which is basic and polar, with tyrosine, which is neutral and polar, at codon 134 of the MAFB protein (p.His134Tyr). This variant is not present in population databases (gnomAD no frequency). This variant has not been reported in the literature in individuals affected with MAFB-related conditions. Advanced modeling of protein sequence and biophysical properties (such as structural, functional, and spatial information, amino acid conservation, physicochemical variation, residue mobility, and thermodynamic stability) performed at Invitae indicates that this missense variant is not expected to disrupt MAFB protein function with a negative predictive value of 80%. In summary, the available evidence is currently insufficient to determine the role of this variant in disease. Therefore, it has been classified as a Variant of Uncertain Significance.